The following is an entry in ClinVar:

ClinVar aggregate classification (germline): Uncertain significance. Review status: criteria provided, multiple submitters, no conflicts (2 of 4 stars). 7 submissions from 5 submitters: Uncertain significance (7). Last evaluated 2026-09-23.

Conditions:
SCN9A-related disorder. Also called: SCN9A-related disorders; SCN9A-related condition.
Neuropathy, hereditary sensory and autonomic, type 2A (HSAN2A). Also called: HSAN IIA; ACROOSTEOLYSIS, GIACCAI TYPE; ACROOSTEOLYSIS, NEUROGENIC; MORVAN DISEASE; NEUROPATHY, CONGENITAL SENSORY; NEUROPATHY, HEREDITARY SENSORY RADICULAR, AUTOSOMAL RECESSIVE. Identifiers: Orphanet 970, MedGen C2752089, MONDO:0024309, OMIM 201300.
Generalized epilepsy with febrile seizures plus, type 7 (GEFSP7). Also called: GEFS+, TYPE 7. Identifiers: Orphanet 36387, MedGen C2751778, MONDO:0013470, OMIM 613863.
Inborn genetic diseases. Identifiers: MedGen C0950123, MeSH D030342.
Primary erythromelalgia. Also called: primary erythermalgia; SCN9A Erythromelalgia (SCN9A-EM). Identifiers: Orphanet 306577, Orphanet 90026, MedGen C0014805, MONDO:0007571, OMIM 133020.
Channelopathy-associated congenital insensitivity to pain, autosomal recessive. Also called: CONGENITAL ANALGESIA, AUTOSOMAL RECESSIVE; ASYMBOLIA FOR PAIN; Insensitivity to pain, channelopathy-associated. Identifiers: Orphanet 88642, Orphanet 970, MedGen C1855739, MONDO:0009459, OMIM 243000.
Paroxysmal extreme pain disorder (PEXPD). Also called: SCN9A Paroxysmal Extreme Pain Disorder (SCN9A-PEPD); PAIN, SUBMANDIBULAR, OCULAR, AND RECTAL, WITH FLUSHING; RECTAL PAIN, FAMILIAL. Identifiers: Orphanet 46348, MedGen C1833661, MONDO:0008179, OMIM 167400.

Allele frequency attached by ClinVar (database versions not stated): ExAC 0.00001; gnomAD exomes 0.00001 and 0.00002; TOPMed 0.00002; gnomAD 0.00005.
gnomAD v4.1: 29 of 1,613,158 alleles (0.0018%); highest among the groups gnomAD compares: Middle Eastern, 0.017%; no homozygotes.

Submissions (7):

PreventionGenetics, part of Exact Sciences
Classification: Uncertain significance for SCN9A-related condition. Last evaluated: 2026-09-23. Review status: criteria provided, single submitter. Criteria: ACMG Guidelines, 2015. Collection method: clinical testing. Allele origin: germline.
Comment: The SCN9A c.3092C>T variant is predicted to result in the amino acid substitution p.Thr1031Ile. This variant has been reported in an individual with autism; however, support for pathogenicity was not provided (Rubinstein et al. 2016. PubMed ID: 27956748). This variant is reported in 0.0085% of alleles in individuals of Latino descent in gnomAD. At this time, the clinical significance of this variant is uncertain due to the absence of conclusive functional and genetic evidence.

Labcorp Genetics (formerly Invitae), Labcorp
Classification: Uncertain significance for Neuropathy, hereditary sensory and autonomic, type 2A; Generalized epilepsy with febrile seizures plus, type 7. Last evaluated: 2024-09-30. Review status: criteria provided, single submitter. Criteria: Invitae Variant Classification Sherloc (09022015). Collection method: clinical testing. Allele origin: germline.
Comment: This sequence change replaces threonine, which is neutral and polar, with isoleucine, which is neutral and non-polar, at codon 1031 of the SCN9A protein (p.Thr1031Ile). This variant is present in population databases (rs757989638, gnomAD 0.009%). This missense change has been observed in individual(s) with autism spectrum disorder (PMID: 27956748). ClinVar contains an entry for this variant (Variation ID: 471106). Invitae Evidence Modeling of protein sequence and biophysical properties (such as structural, functional, and spatial information, amino acid conservation, physicochemical variation, residue mobility, and thermodynamic stability) indicates that this missense variant is not expected to disrupt SCN9A protein function with a negative predictive value of 95%. In summary, the available evidence is currently insufficient to determine the role of this variant in disease. Therefore, it has been classified as a Variant of Uncertain Significance.

ARUP Laboratories, Molecular Genetics and Genomics, ARUP Laboratories
Classification: Uncertain significance. Last evaluated: 2023-11-29. Review status: criteria provided, single submitter. Criteria: ARUP Molecular Germline Variant Investigation Process 2024. Collection method: clinical testing. Allele origin: germline.
Comment: The SCN9A c.3092C>T; p.Thr1031Ile variant (rs757989638) is reported in the literature in an individual affected with autism (Rubinstein 2018), though to our knowledge it has not been reported in individuals with neuropathy. This variant is found on seven chromosomes (7/279778 alleles) in the Genome Aggregation Database. The threonine at codon 1031 is highly conserved, but computational analyses are uncertain whether this variant is neutral or deleterious (REVEL: 0.514). However, given the lack of clinical and functional data, the significance of the p.Thr1031Ile variant is uncertain at this time. References: Rubinstein M et al. Association of rare missense variants in the second intracellular loop of NaV1.7 sodium channels with familial autism. Mol Psychiatry. 2018 Feb;23(2):231-239. PMID: 27956748.

Ambry Genetics
Classification: Uncertain significance for Inborn genetic diseases. Last evaluated: 2021-01-13. Review status: criteria provided, single submitter. Criteria: Ambry Variant Classification Scheme 2023. Collection method: clinical testing. Allele origin: germline.
Comment: The p.T1031I variant (also known as c.3092C>T), located in coding exon 16 of the SCN9A gene, results from a C to T substitution at nucleotide position 3092. The threonine at codon 1031 is replaced by isoleucine, an amino acid with similar properties. This amino acid position is highly conserved in available vertebrate species. In addition, the in silico prediction for this alteration is inconclusive. Since supporting evidence is limited at this time, the clinical significance of this alteration remains unclear.

Illumina Laboratory Services, Illumina
Classification: Uncertain significance for Primary erythromelalgia. Last evaluated: 2018-01-13. Review status: criteria provided, single submitter. Criteria: ICSL Variant Classification Criteria 13 December 2019. Collection method: clinical testing. Allele origin: germline.

Illumina Laboratory Services, Illumina
Classification: Uncertain significance for Channelopathy-associated congenital insensitivity to pain, autosomal recessive. Last evaluated: 2018-01-13. Review status: criteria provided, single submitter. Criteria: ICSL Variant Classification Criteria 13 December 2019. Collection method: clinical testing. Allele origin: germline.

Illumina Laboratory Services, Illumina
Classification: Uncertain significance for Paroxysmal extreme pain disorder. Last evaluated: 2018-01-13. Review status: criteria provided, single submitter. Criteria: ICSL Variant Classification Criteria 13 December 2019. Collection method: clinical testing. Allele origin: germline.

Literature cited by the submitters: PubMed 27956748 (cited by Labcorp Genetics (formerly Invitae), Labcorp).

NM_001365536.1(SCN9A):c.3125C>T (p.Thr1042Ile)

Genes: SCN9A (sodium voltage-gated channel alpha subunit 9; minus strand), SCN1A-AS1 (SCN1A and SCN9A antisense RNA 1; plus strand). Cytogenetic location: 2q24.3.
Variant type: single nucleotide variant.
Coding change: c.3125C>T on transcript NM_001365536.1 (MANE Select); coding-DNA position 3125, C replaced by T.
Protein change: p.Thr1042Ile; replaces threonine 1042 with isoleucine.
Molecular consequence: missense variant.
Genome position (GRCh38, 1-based): chr2:166,272,625, G>A on the plus strand (C>T on the coding strand, the complement: SCN9A is on the minus strand). VCF-style: chr2-166272625-G-A. GRCh37 (hg19) VCF-style: chr2-167129135-G-A.
Other names: c.3092C>T, p.Thr1031Ile (NM_002977.4); short protein forms T1031I, T1042I.
Identifiers: ClinVar variation 471106 (VCV000471106.21), dbSNP rs757989638, ClinGen allele CA1944133.